The following is an entry in ClinVar:

NM_001367916.1(MAGT1):c.502dup (p.Arg168fs)

Gene: MAGT1 (magnesium transporter 1; minus strand). Cytogenetic location: Xq21.1.
Variant type: Duplication.
Coding change: c.502dup on transcript NM_001367916.1 (MANE Select); coding-DNA position 502, one base duplicated (C; older notation c.502dupC).
Protein change: p.Arg168fs; shifts the reading frame from arginine 168.
Molecular consequence: frameshift variant.
Genome position (GRCh38, 1-based): chrX:77,857,386, G duplicated on the plus strand (C on the coding strand, the reverse complement: MAGT1 is on the minus strand); the first of 3 consecutive G bases (chrX:77,857,386-77,857,388); duplicating any one gives the same sequence. VCF-style (leftmost placement, unchanged base first): chrX-77857385-C-CG. GRCh37 (hg19) VCF-style: chrX-77112882-C-CG.
Other names: c.598dup, p.Arg200fs (NM_032121.5); short protein forms R200fs, R168fs.
Identifiers: ClinVar variation 3728820 (VCV003728820.2).

ClinVar aggregate classification (germline): Pathogenic (1 of 4 stars; one submission).

Conditions:
X-linked immunodeficiency with magnesium defect, Epstein-Barr virus infection and neoplasia. Identifiers: Orphanet 317476, MedGen C3275445, MONDO:0010455, OMIM 300853.

Submission:

Labcorp Genetics (formerly Invitae), Labcorp
Classification: Pathogenic for X-linked immunodeficiency with magnesium defect, Epstein-Barr virus infection and neoplasia. Last evaluated: 2025-02-18. Review status: criteria provided, single submitter. Criteria: Invitae Variant Classification Sherloc (09022015). Collection method: clinical testing. Allele origin: germline.
Comment: This sequence change creates a premature translational stop signal (p.Arg200Profs*8) in the MAGT1 gene. It is expected to result in an absent or disrupted protein product. Loss-of-function variants in MAGT1 are known to be pathogenic (PMID: 24550228). This variant is not present in population databases (gnomAD no frequency). This variant has not been reported in the literature in individuals affected with MAGT1-related conditions. For these reasons, this variant has been classified as Pathogenic.

Literature cited by the submitters: PubMed 24550228.